The following is an entry in ClinVar:

NM_000059.4(BRCA2):c.378A>G (p.Gln126=)

Gene: BRCA2 (BRCA2 DNA repair associated; plus strand). Cytogenetic location: 13q13.1.
Variant type: single nucleotide variant.
Coding change: c.378A>G on transcript NM_000059.4 (MANE Select); coding-DNA position 378, A replaced by G.
Protein change: p.Gln126=; no amino-acid change (glutamine 126 retained).
Molecular consequence: synonymous variant.
Genome position (GRCh38, 1-based): chr13:32,325,137, A>G. VCF-style: chr13-32325137-A-G. GRCh37 (hg19) VCF-style: chr13-32899274-A-G.
Identifiers: ClinVar variation 184648 (VCV000184648.23), dbSNP rs786201593, ClinGen allele CA018816.
Genomic context (GRCh38, chr13:32,325,137, plus strand): 5'-AAGGAATGTTCCCAATAGTAGACATAAAAGTCTTCGCACAGTGAAAACTAAAATGGATCA[A>G]GCAGATGATGTTTCCTGTCCACTTCTAAATTCTTGTCTTAGTGAAAGGTATGATGAAGCT-3'
Protein context (NP_000050.3, residues 116-136): SLRTVKTKMD[Gln126=]ADDVSCPLLN

ClinVar aggregate classification (germline): Likely benign. Review status: reviewed by expert panel (3 of 4 stars). 7 submissions from 7 submitters: Likely benign (1). 6 of the submissions do not count toward it. Last evaluated 2017-06-29.

Conditions:
Hereditary cancer-predisposing syndrome. Also called: Tumor predisposition; Hereditary Cancer Syndrome; Hereditary neoplastic syndrome; Neoplastic Syndromes, Hereditary. Identifiers: Orphanet 140162, MedGen C0027672, MeSH D009386, MONDO:0015356.
Hereditary breast ovarian cancer syndrome. Also called: Breast and ovarian cancer; Hereditary breast and ovarian cancer syndrome; Hereditary breast and ovarian cancer; BRCA1- and BRCA2-Associated Hereditary Breast and Ovarian Cancer; Hereditary breast and ovarian cancer syndrome (HBOC); Hereditary breast and/or ovarian cancer syndrome. Identifiers: Orphanet 145, MedGen C0677776, MeSH D061325, MONDO:0003582. Disease mechanism: loss of function.
Breast-ovarian cancer, familial, susceptibility to, 2 (BROVCA2). Also called: BRCA2 Hereditary Breast and Ovarian Cancer. Identifiers: Orphanet 145, MedGen C2675520, MONDO:0012933, OMIM 612555. Disease mechanism: loss of function.

Allele frequency attached by ClinVar (database versions not stated): gnomAD exomes below 0.00001; gnomAD 0.00001; TOPMed 0.00001.
gnomAD v4.1: 3 of 1,609,416 alleles (0.00019%); highest among the groups gnomAD compares: African/African-American, 0.0027%; no homozygotes.

Submissions (7):

Evidence-based Network for the Interpretation of Germline Mutant Alleles (ENIGMA)
Classification: Likely benign for Breast-ovarian cancer, familial, susceptibility to, 2. Last evaluated: 2017-06-29. Review status: reviewed by expert panel. Criteria: ENIGMA BRCA1/2 Classification Criteria (2017-06-29). Collection method: curation. Allele origin: germline.
Comment: Synonymous substitution variant, with low bioinformatic likelihood to result in a splicing aberration (Splicing prior probability 0.02).

Labcorp Genetics (formerly Invitae), Labcorp
Classification: Likely benign for Hereditary breast ovarian cancer syndrome. Last evaluated: 2025-04-07. Review status: criteria provided, single submitter. Criteria: Invitae Variant Classification Sherloc (09022015). Collection method: clinical testing. Allele origin: germline. Not counted in ClinVar's aggregate classification.

Women's Health and Genetics/Laboratory Corporation of America, LabCorp
Classification: Likely benign. Last evaluated: 2023-08-13. Review status: criteria provided, single submitter. Criteria: LabCorp Variant Classification Summary - May 2015. Collection method: clinical testing. Allele origin: germline. Not counted in ClinVar's aggregate classification.

Color Diagnostics, LLC DBA Color Health
Classification: Likely benign for Hereditary cancer-predisposing syndrome. Last evaluated: 2019-07-08. Review status: criteria provided, single submitter. Criteria: ACMG Guidelines, 2015. Collection method: clinical testing. Allele origin: germline. Not counted in ClinVar's aggregate classification.

Ambry Genetics
Classification: Likely benign for Hereditary cancer-predisposing syndrome. Last evaluated: 2016-06-21. Review status: criteria provided, single submitter. Criteria: Ambry Variant Classification Scheme 2023. Collection method: clinical testing. Allele origin: germline. Not counted in ClinVar's aggregate classification.

GeneDx
Classification: Likely benign. Last evaluated: 2015-11-20. Review status: criteria provided, single submitter. Criteria: GeneDx Variant Classification (06012015). Collection method: clinical testing. Allele origin: germline. Affected: yes. Not counted in ClinVar's aggregate classification.
Comment: This variant is considered likely benign or benign based on one or more of the following criteria: it is a conservative change, it occurs at a poorly conserved position in the protein, it is predicted to be benign by multiple in silico algorithms, and/or has population frequency not consistent with disease.

Counsyl
Classification: Likely benign for Breast-ovarian cancer, familial, susceptibility to, 2. Last evaluated: 2016-03-08. Review status: no assertion criteria provided. Collection method: clinical testing. Allele origin: unknown. Not counted in ClinVar's aggregate classification.